The following is an entry in ClinVar:

ClinVar aggregate classification (germline): Uncertain significance (1 of 4 stars; one submission).

Conditions:
BAP1-related tumor predisposition syndrome (TPDS1). Also called: Tumor susceptibility linked to germline BAP1 mutations; BAP1 tumor predisposition syndrome; COMMON Syndrome; TUMOR PREDISPOSITION SYNDROME 1. Identifiers: Orphanet 289539, MedGen C3280492, MONDO:0013692, OMIM 614327.

Submission:

Labcorp Genetics (formerly Invitae), Labcorp
Classification: Uncertain significance for BAP1-related tumor predisposition syndrome. Last evaluated: 2019-05-31. Review status: criteria provided, single submitter. Criteria: Invitae Variant Classification Sherloc (09022015). Collection method: clinical testing. Allele origin: germline.
Comment: In summary, the available evidence is currently insufficient to determine the role of this variant in disease. Therefore, it has been classified as a Variant of Uncertain Significance. Algorithms developed to predict the effect of missense changes on protein structure and function (SIFT, PolyPhen-2, Align-GVGD) all suggest that this variant is likely to be disruptive, but these predictions have not been confirmed by published functional studies and their clinical significance is uncertain. This variant has not been reported in the literature in individuals with BAP1-related conditions. This variant is not present in population databases (ExAC no frequency). This sequence change replaces asparagine with isoleucine at codon 142 of the BAP1 protein (p.Asn142Ile). The asparagine residue is highly conserved and there is a large physicochemical difference between asparagine and isoleucine.

NM_004656.4(BAP1):c.425A>T (p.Asn142Ile)

Gene: BAP1 (BRCA1 associated deubiquitinase 1; minus strand). Cytogenetic location: 3p21.1.
Variant type: single nucleotide variant.
Coding change: c.425A>T on transcript NM_004656.4 (MANE Select); coding-DNA position 425, A replaced by T.
Protein change: p.Asn142Ile; replaces asparagine 142 with isoleucine.
Molecular consequence: missense variant.
Genome position (GRCh38, 1-based): chr3:52,407,411, T>A on the plus strand (A>T on the coding strand, the complement: BAP1 is on the minus strand). VCF-style: chr3-52407411-T-A. GRCh37 (hg19) VCF-style: chr3-52441427-T-A.
Other names: short protein forms N142I.
Identifiers: ClinVar variation 844230 (VCV000844230.7), dbSNP rs1705201753, ClinGen allele CA353110735.